The following is an entry in ClinVar:

NM_031885.5(BBS2):c.1174G>C (p.Gly392Arg)

Gene: BBS2 (Bardet-Biedl syndrome 2; minus strand). Cytogenetic location: 16q13.
Variant type: single nucleotide variant.
Coding change: c.1174G>C on transcript NM_031885.5 (MANE Select); coding-DNA position 1174, G replaced by C.
Protein change: p.Gly392Arg; replaces glycine 392 with arginine.
Molecular consequence: missense variant. On other transcripts: non-coding transcript variant (5).
Genome position (GRCh38, 1-based): chr16:56,501,404, C>G on the plus strand (G>C on the coding strand, the complement: BBS2 is on the minus strand). VCF-style: chr16-56501404-C-G. GRCh37 (hg19) VCF-style: chr16-56535316-C-G.
Other names: c.1174G>C, p.Gly392Arg (NM_001377456.1); short protein forms G392R.
Identifiers: ClinVar variation 4688378 (VCV004688378.1).

ClinVar aggregate classification (germline): Uncertain significance (1 of 4 stars; one submission).

Submission:

Women's Health and Genetics/Laboratory Corporation of America, LabCorp
Classification: Uncertain significance. Last evaluated: 2025-12-11. Review status: criteria provided, single submitter. Criteria: LabCorp Variant Classification Summary - May 2015. Collection method: clinical testing. Allele origin: germline.
Comment: Variant summary: BBS2 c.1174G>C (p.Gly392Arg) results in a non-conservative amino acid change in the encoded protein sequence. Algorithms developed to predict the effect of missense changes on protein structure and function all suggest that this variant is likely to be disruptive. The variant allele was found at a frequency of 4e-06 in 251488 control chromosomes. The available data on variant occurrences in the general population are insufficient to allow any conclusion about variant significance. To our knowledge, no occurrence of c.1174G>C in individuals affected with BBS2-related conditions and no experimental evidence demonstrating its impact on protein function have been reported. No submitters have cited clinical-significance assessments for this variant to ClinVar. Based on the evidence outlined above, the variant was classified as uncertain significance.